The following is an entry in ClinVar:

NM_001170629.2(CHD8):c.991C>T (p.Gln331Ter)

Gene: CHD8 (chromodomain helicase DNA binding protein 8; minus strand). Cytogenetic location: 14q11.2.
Variant type: single nucleotide variant.
Coding change: c.991C>T on transcript NM_001170629.2 (MANE Select); coding-DNA position 991, C replaced by T.
Protein change: p.Gln331Ter; replaces glutamine 331 with a stop codon.
Molecular consequence: nonsense.
Genome position (GRCh38, 1-based): chr14:21,429,188, G>A on the plus strand (C>T on the coding strand, the complement: CHD8 is on the minus strand). VCF-style: chr14-21429188-G-A. GRCh37 (hg19) VCF-style: chr14-21897347-G-A.
Other names: c.154C>T, p.Gln52Ter (NM_020920.4); short protein forms Q331*, Q52*.
Identifiers: ClinVar variation 3236120 (VCV003236120.1), dbSNP rs1555318290, ClinGen allele CA388885223.

ClinVar aggregate classification (germline): Pathogenic (1 of 4 stars; one submission).

Conditions:
Intellectual developmental disorder with autism and macrocephaly. Also called: Autism, susceptibility to, 18; CHD8-Related Neurodevelopmental Disorder with Overgrowth. Identifiers: Orphanet 642675, MedGen C3554373, MONDO:0014017, OMIM 615032.

Submission:

MVZ Medizinische Genetik Mainz
Classification: Pathogenic for Intellectual developmental disorder with autism and macrocephaly. Last evaluated: 2022-06-27. Review status: criteria provided, single submitter. Criteria: UK Practice Guidelines For Variant Classification V4 01 2020. Collection method: clinical testing. Allele origin: germline. Inheritance: Autosomal dominant inheritance. Affected: yes. Observed: 1 variant allele.
Comment: ACMG Criteria: PVS1, PM2_SUP, PM6